The following is an entry in ClinVar:

NM_022124.6(CDH23):c.8465A>G (p.Asp2822Gly)

Gene: CDH23 (cadherin related 23; plus strand). Cytogenetic location: 10q22.1.
Variant type: single nucleotide variant.
Coding change: c.8465A>G on transcript NM_022124.6 (MANE Select); coding-DNA position 8465, A replaced by G.
Protein change: p.Asp2822Gly; replaces aspartic acid 2822 with glycine.
Molecular consequence: missense variant.
Genome position (GRCh38, 1-based): chr10:71,807,672, A>G. VCF-style: chr10-71807672-A-G. GRCh37 (hg19) VCF-style: chr10-73567429-A-G.
Other names: c.1745A>G, p.Asp582Gly (NM_001171933.1, NM_001171934.1); short protein forms D582G, D2822G.
Identifiers: ClinVar variation 968129 (VCV000968129.10), dbSNP rs373155603, ClinGen allele CA5546662.

ClinVar aggregate classification (germline): Uncertain significance. Review status: criteria provided, multiple submitters, no conflicts (2 of 4 stars). 5 submissions from 5 submitters: Uncertain significance (4). 1 of the submissions does not count toward it. Last evaluated 2026-07-24.

Conditions:
Inborn genetic diseases. Identifiers: MedGen C0950123, MeSH D030342.
CDH23-related disorder. Also called: CDH23-related disorders; CDH23-related condition.
Usher syndrome type 1 (USH1). Also called: RETINITIS PIGMENTOSA AND CONGENITAL DEAFNESS. Identifiers: Orphanet 231169, Orphanet 886, MedGen C1568247, MONDO:0010168, OMIM 276900.

Allele frequency attached by ClinVar (database versions not stated): gnomAD exomes 0.00001 and 0.00002; ExAC 0.00004; ESP Exome Variant Server 0.00008; gnomAD 0.00011; TOPMed 0.00011; 1000 Genomes Project 30x 0.00016; 1000 Genomes Project 0.00020.
gnomAD v4.1: 31 of 1,613,830 alleles (0.0019%); highest among the groups gnomAD compares: African/African-American, 0.037%; no homozygotes.

Submissions (5):

PreventionGenetics, part of Exact Sciences
Classification: Uncertain significance for CDH23-related condition. Last evaluated: 2026-07-24. Review status: criteria provided, single submitter. Criteria: ACMG Guidelines, 2015. Collection method: clinical testing. Allele origin: germline.
Comment: The CDH23 c.8465A>G variant is predicted to result in the amino acid substitution p.Asp2822Gly. To our knowledge, this variant has not been reported in the literature. This variant is reported in 0.029% of alleles in individuals of African descent in gnomAD. At this time, the clinical significance of this variant is uncertain due to the absence of conclusive functional and genetic evidence.

Ambry Genetics
Classification: Uncertain significance for Inborn genetic diseases. Last evaluated: 2025-07-03. Review status: criteria provided, single submitter. Criteria: Ambry Variant Classification Scheme 2023. Collection method: clinical testing. Allele origin: germline.

Labcorp Genetics (formerly Invitae), Labcorp
Classification: Uncertain significance. Last evaluated: 2024-10-29. Review status: criteria provided, single submitter. Criteria: Invitae Variant Classification Sherloc (09022015). Collection method: clinical testing. Allele origin: germline.
Comment: This sequence change replaces aspartic acid, which is acidic and polar, with glycine, which is neutral and non-polar, at codon 2822 of the CDH23 protein (p.Asp2822Gly). This variant is present in population databases (rs373155603, gnomAD 0.03%). This variant has not been reported in the literature in individuals affected with CDH23-related conditions. ClinVar contains an entry for this variant (Variation ID: 968129). Invitae Evidence Modeling of protein sequence and biophysical properties (such as structural, functional, and spatial information, amino acid conservation, physicochemical variation, residue mobility, and thermodynamic stability) has been performed for this missense variant. However, the output from this modeling did not meet the statistical confidence thresholds required to predict the impact of this variant on CDH23 protein function. In summary, the available evidence is currently insufficient to determine the role of this variant in disease. Therefore, it has been classified as a Variant of Uncertain Significance.

Blueprint Genetics
Classification: Uncertain significance. Last evaluated: 2022-06-22. Review status: criteria provided, single submitter. Criteria: ACMG Guidelines, 2015. Collection method: clinical testing. Allele origin: germline.

Natera, Inc.
Classification: Uncertain significance for Usher syndrome type 1. Last evaluated: 2020-03-04. Review status: no assertion criteria provided. Collection method: clinical testing. Allele origin: germline. Not counted in ClinVar's aggregate classification.